The following is an entry in ClinVar:

NM_006231.4(POLE):c.2134C>A (p.Arg712Ser)

Gene: POLE (DNA polymerase epsilon, catalytic subunit; minus strand). Cytogenetic location: 12q24.33.
Variant type: single nucleotide variant.
Coding change: c.2134C>A on transcript NM_006231.4 (MANE Select); coding-DNA position 2134, C replaced by A.
Protein change: p.Arg712Ser; replaces arginine 712 with serine.
Molecular consequence: missense variant.
Genome position (GRCh38, 1-based): chr12:132,668,395, G>T on the plus strand (C>A on the coding strand, the complement: POLE is on the minus strand). VCF-style: chr12-132668395-G-T. GRCh37 (hg19) VCF-style: chr12-133244981-G-T.
Other names: short protein forms R712S.
Identifiers: ClinVar variation 1059025 (VCV001059025.11), dbSNP rs749194160, ClinGen allele CA387353757.

ClinVar aggregate classification (germline): Uncertain significance. Review status: criteria provided, multiple submitters, no conflicts (2 of 4 stars). 2 submissions from 2 submitters: Uncertain significance (2). Last evaluated 2023-01-23.

Conditions:
Hereditary cancer-predisposing syndrome. Also called: Neoplastic Syndromes, Hereditary; Hereditary Cancer Syndrome; Hereditary neoplastic syndrome; Tumor predisposition. Identifiers: Orphanet 140162, MedGen C0027672, MeSH D009386, MONDO:0015356.

Submissions (2):

Labcorp Genetics (formerly Invitae), Labcorp
Classification: Uncertain significance. Last evaluated: 2023-01-23. Review status: criteria provided, single submitter. Criteria: Invitae Variant Classification Sherloc (09022015). Collection method: clinical testing. Allele origin: germline.
Comment: In summary, the available evidence is currently insufficient to determine the role of this variant in disease. Therefore, it has been classified as a Variant of Uncertain Significance. Advanced modeling of protein sequence and biophysical properties (such as structural, functional, and spatial information, amino acid conservation, physicochemical variation, residue mobility, and thermodynamic stability) performed at Invitae indicates that this missense variant is not expected to disrupt POLE protein function. ClinVar contains an entry for this variant (Variation ID: 1059025). This variant has not been reported in the literature in individuals affected with POLE-related conditions. This variant is not present in population databases (gnomAD no frequency). This sequence change replaces arginine, which is basic and polar, with serine, which is neutral and polar, at codon 712 of the POLE protein (p.Arg712Ser).

Ambry Genetics
Classification: Uncertain significance for Hereditary cancer-predisposing syndrome. Last evaluated: 2022-05-01. Review status: criteria provided, single submitter. Criteria: Ambry Variant Classification Scheme 2023. Collection method: clinical testing. Allele origin: germline.
Comment: The p.R712S variant (also known as c.2134C>A), located in coding exon 19 of the POLE gene, results from a C to A substitution at nucleotide position 2134. The arginine at codon 712 is replaced by serine, an amino acid with dissimilar properties. This amino acid position is conserved. In addition, this alteration is predicted to be tolerated by in silico analysis. Since supporting evidence is limited at this time, the clinical significance of this alteration remains unclear.